The following is an entry in ClinVar:

ClinVar aggregate classification (germline): Uncertain significance (1 of 4 stars; one submission).

Conditions:
Hereditary cancer-predisposing syndrome. Also called: Hereditary neoplastic syndrome; Neoplastic Syndromes, Hereditary; Tumor predisposition; Hereditary Cancer Syndrome. Identifiers: Orphanet 140162, MedGen C0027672, MeSH D009386, MONDO:0015356.

Submission:

Ambry Genetics
Classification: Uncertain significance for Hereditary cancer-predisposing syndrome. Last evaluated: 2025-02-04. Review status: criteria provided, single submitter. Criteria: Ambry Variant Classification Scheme 2023. Collection method: clinical testing. Allele origin: germline.
Comment: The p.E1321G variant (also known as c.3962A>G), located in coding exon 27 of the ALK gene, results from an A to G substitution at nucleotide position 3962. The glutamic acid at codon 1321 is replaced by glycine, an amino acid with similar properties. This amino acid position is conserved. In addition, this alteration is predicted to be deleterious by in silico analysis. Based on the available evidence, the clinical significance of this variant remains unclear.

NM_004304.5(ALK):c.3962A>G (p.Glu1321Gly)

Gene: ALK (ALK receptor tyrosine kinase; minus strand). Cytogenetic location: 2p23.2.
Variant type: single nucleotide variant.
Coding change: c.3962A>G on transcript NM_004304.5 (MANE Select); coding-DNA position 3962, A replaced by G.
Protein change: p.Glu1321Gly; replaces glutamic acid 1321 with glycine.
Molecular consequence: missense variant.
Genome position (GRCh38, 1-based): chr2:29,197,653, T>C on the plus strand (A>G on the coding strand, the complement: ALK is on the minus strand). VCF-style: chr2-29197653-T-C. GRCh37 (hg19) VCF-style: chr2-29420519-T-C.
Other names: c.758A>G, p.Glu253Gly (NM_001353765.2); short protein forms E253G, E1321G.
Identifiers: ClinVar variation 3855633 (VCV003855633.1).